The following is an entry in ClinVar:

NM_022081.6(HPS4):c.670-15T>C

Gene: HPS4 (HPS4 biogenesis of lysosomal organelles complex 3 subunit 2; minus strand). Cytogenetic location: 22q12.1.
Variant type: single nucleotide variant.
Coding change: c.670-15T>C on transcript NM_022081.6 (MANE Select); 15 bases into the intron before coding-DNA position 670, T replaced by C.
Molecular consequence: intron variant.
Genome position (GRCh38, 1-based): chr22:26,466,277, A>G on the plus strand (T>C on the coding strand, the complement: HPS4 is on the minus strand). VCF-style: chr22-26466277-A-G. GRCh37 (hg19) VCF-style: chr22-26862243-A-G.
Other names: c.670-15T>C (NM_001349905.1, NM_001349904.2, NM_001349902.1 and 7 more transcripts); c.655-15T>C (NM_152841.2).
Identifiers: ClinVar variation 2691564 (VCV002691564.1), dbSNP rs1217679146, ClinGen allele CA638782060.

ClinVar aggregate classification (germline): Likely benign (1 of 4 stars; one submission).

Allele frequency attached by ClinVar (database versions not stated): gnomAD exomes below 0.00001.
gnomAD v4.1: 6 of 1,614,084 alleles (0.00037%); highest among the groups gnomAD compares: Non-Finnish European, 0.00051%; no homozygotes.

Submission:

Women's Health and Genetics/Laboratory Corporation of America, LabCorp
Classification: Likely benign. Last evaluated: 2023-12-08. Review status: criteria provided, single submitter. Criteria: LabCorp Variant Classification Summary - May 2015. Collection method: clinical testing. Allele origin: germline.
Comment: Variant summary: HPS4 c.670-15T>C alters a non-conserved nucleotide located at a position not widely known to affect splicing. Consensus agreement among computation tools predict no significant impact on normal splicing. However, these predictions have yet to be confirmed by functional studies. The variant allele was found at a frequency of 4e-06 in 251452 control chromosomes. The available data on variant occurrences in the general population are insufficient to allow any conclusion about variant significance. To our knowledge, no occurrence of c.670-15T>C in individuals affected with Hermansky-Pudlak Syndrome and no experimental evidence demonstrating its impact on protein function have been reported. No submitters have cited clinical-significance assessments for this variant to ClinVar after 2014. Based on the evidence outlined above, the variant was classified as likely benign.